The following is an entry in ClinVar:

NM_032447.5(FBN3):c.7903G>A (p.Gly2635Ser)

Gene: FBN3 (fibrillin 3; minus strand). Cytogenetic location: 19p13.2.
Variant type: single nucleotide variant.
Coding change: c.7903G>A on transcript NM_032447.5 (MANE Select); coding-DNA position 7903, G replaced by A.
Protein change: p.Gly2635Ser; replaces glycine 2635 with serine.
Molecular consequence: missense variant.
Genome position (GRCh38, 1-based): chr19:8,073,097, C>T on the plus strand (G>A on the coding strand, the complement: FBN3 is on the minus strand). VCF-style: chr19-8073097-C-T. GRCh37 (hg19) VCF-style: chr19-8137981-C-T.
Other names: c.7903G>A, p.Gly2635Ser (NM_001321431.2); short protein forms G2635S.
Identifiers: ClinVar variation 2977854 (VCV002977854.3), dbSNP rs758436991, ClinGen allele CA9150715.

ClinVar aggregate classification (germline): Uncertain significance (1 of 4 stars; one submission).

Allele frequency attached by ClinVar (database versions not stated): ExAC 0.00001; TOPMed 0.00002; gnomAD exomes 0.00001; gnomAD 0.00003.
gnomAD v4.1: 17 of 1,612,986 alleles (0.0011%); highest among the groups gnomAD compares: South Asian, 0.0022%; no homozygotes.

Submission:

Labcorp Genetics (formerly Invitae), Labcorp
Classification: Uncertain significance. Last evaluated: 2025-02-18. Review status: criteria provided, single submitter. Criteria: Invitae Variant Classification Sherloc (09022015). Collection method: clinical testing. Allele origin: germline.
Comment: This sequence change replaces glycine, which is neutral and non-polar, with serine, which is neutral and polar, at codon 2635 of the FBN3 protein (p.Gly2635Ser). The frequency data for this variant in the population databases is considered unreliable, as metrics indicate poor data quality at this position in the gnomAD database. This variant has not been reported in the literature in individuals affected with FBN3-related conditions. ClinVar contains an entry for this variant (Variation ID: 2977854). Invitae Evidence Modeling of protein sequence and biophysical properties (such as structural, functional, and spatial information, amino acid conservation, physicochemical variation, residue mobility, and thermodynamic stability) indicates that this missense variant is not expected to disrupt FBN3 protein function with a negative predictive value of 80%. In summary, the available evidence is currently insufficient to determine the role of this variant in disease. Therefore, it has been classified as a Variant of Uncertain Significance.